The following is an entry in ClinVar:

ClinVar aggregate classification (germline): Likely benign (1 of 4 stars; one submission).

Submission:

CeGaT Center for Human Genetics Tuebingen
Classification: Likely benign. Last evaluated: 2022-12-01. Review status: criteria provided, single submitter. Criteria: CeGaT Center For Human Genetics Tuebingen Variant Classification Criteria Version 2. Collection method: clinical testing. Allele origin: germline. Affected: yes. Observed: 1 variant allele.
Comment: HNRNPA1: PM2:Supporting, BP4, BP7

NM_031157.4(HNRNPA1):c.786A>T (p.Gly262=)

Gene: HNRNPA1 (heterogeneous nuclear ribonucleoprotein A1; plus strand). Cytogenetic location: 12q13.13.
Variant type: single nucleotide variant.
Coding change: c.786A>T on transcript NM_031157.4 (MANE Select); coding-DNA position 786, A replaced by T.
Protein change: p.Gly262=; no amino-acid change (glycine 262 retained).
Molecular consequence: synonymous variant. On other transcripts: intron variant (1).
Genome position (GRCh38, 1-based): chr12:54,283,113, A>T. VCF-style: chr12-54283113-A-T. GRCh37 (hg19) VCF-style: chr12-54676897-A-T.
Other names: c.751+239A>T (NM_002136.4).
Identifiers: ClinVar variation 2643055 (VCV002643055.24), dbSNP rs2540584009, ClinGen allele CA480004708.